The following is an entry in ClinVar:

NM_032043.3(BRIP1):c.2959A>G (p.Arg987Gly)

Gene: BRIP1 (BRCA1 interacting DNA helicase 1; minus strand). Cytogenetic location: 17q23.2.
Variant type: single nucleotide variant.
Coding change: c.2959A>G on transcript NM_032043.3 (MANE Select); coding-DNA position 2959, A replaced by G.
Protein change: p.Arg987Gly; replaces arginine 987 with glycine.
Molecular consequence: missense variant.
Genome position (GRCh38, 1-based): chr17:61,684,087, T>C on the plus strand (A>G on the coding strand, the complement: BRIP1 is on the minus strand). VCF-style: chr17-61684087-T-C. GRCh37 (hg19) VCF-style: chr17-59761448-T-C.
Other names: short protein forms R987G.
Identifiers: ClinVar variation 929532 (VCV000929532.2), dbSNP rs1603275660, ClinGen allele CA400480663.

ClinVar aggregate classification (germline): Uncertain significance. Review status: criteria provided, single submitter (1 of 4 stars). 2 submissions from 2 submitters: Uncertain significance (1). 1 of the submissions does not count toward it. Last evaluated 2025-08-09.

Conditions:
Hereditary cancer-predisposing syndrome. Also called: Neoplastic Syndromes, Hereditary; Hereditary Cancer Syndrome; Tumor predisposition; Hereditary neoplastic syndrome. Identifiers: Orphanet 140162, MedGen C0027672, MeSH D009386, MONDO:0015356.

Submissions (2):

Ambry Genetics
Classification: Uncertain significance for Hereditary cancer-predisposing syndrome. Last evaluated: 2025-08-09. Review status: criteria provided, single submitter. Criteria: Ambry Variant Classification Scheme 2023. Collection method: clinical testing. Allele origin: germline.
Comment: The p.R987G variant (also known as c.2959A>G), located in coding exon 19 of the BRIP1 gene, results from an A to G substitution at nucleotide position 2959. The arginine at codon 987 is replaced by glycine, an amino acid with dissimilar properties. This amino acid position is conserved. In addition, the in silico prediction for this alteration is inconclusive. Based on the available evidence, the clinical significance of this variant remains unclear.

Leiden Open Variation Database
Classification: Uncertain significance. Last evaluated: 2019-08-13. Review status: no assertion criteria provided. Collection method: curation. Allele origin: germline. Affected: yes. Not counted in ClinVar's aggregate classification.
Comment: Curator: Arleen D. Auerbach. Submitter to LOVD: Yukihide Momozawa.

Literature cited by the submitters: PubMed 31214711 (cited by Leiden Open Variation Database).